The following is an entry in ClinVar:

ClinVar aggregate classification (germline): Uncertain significance (1 of 4 stars; one submission).

gnomAD v4.1: 2 of 1,613,890 alleles (0.00012%); highest among the groups gnomAD compares: Non-Finnish European, 0.00017%; no homozygotes.

Submission:

GeneDx
Classification: Uncertain significance. Last evaluated: 2023-04-26. Review status: criteria provided, single submitter. Criteria: GeneDx Variant Classification Process June 2021. Collection method: clinical testing. Allele origin: germline. Affected: yes.
Comment: Not observed at significant frequency in large population cohorts (gnomAD); In silico analysis supports that this missense variant has a deleterious effect on protein structure/function; Has not been previously published as pathogenic or benign to our knowledge

NM_001145860.2(POP1):c.984G>T (p.Trp328Cys)

Gene: POP1 (POP1 homolog, ribonuclease P/MRP subunit; plus strand). Cytogenetic location: 8q22.2.
Variant type: single nucleotide variant.
Coding change: c.984G>T on transcript NM_001145860.2 (MANE Select); coding-DNA position 984, G replaced by T.
Protein change: p.Trp328Cys; replaces tryptophan 328 with cysteine.
Molecular consequence: missense variant.
Genome position (GRCh38, 1-based): chr8:98,134,632, G>T. VCF-style: chr8-98134632-G-T. GRCh37 (hg19) VCF-style: chr8-99146860-G-T.
Other names: c.984G>T, p.Trp328Cys (NM_001145861.2, NM_015029.3); short protein forms W328C.
Identifiers: ClinVar variation 2661978 (VCV002661978.1), dbSNP rs1291927737, ClinGen allele CA371791509.